The following is an entry in ClinVar:

ClinVar aggregate classification (germline): Uncertain significance (1 of 4 stars; one submission).

Conditions:
Dihydropteridine reductase deficiency (HPABH4C). Also called: DHPR DEFICIENCY; Phenylketonuria II; Hyperphenylalaninemia due to dihydropteridine reductase deficiency; Hyperphenylalaninemia, BH-4-deficient, C; Phenylketonuria type 2; BH4-Deficient Hyperphenylalaninemia C. Identifiers: Orphanet 226, Orphanet 238583, MedGen C0268465, MONDO:0009862, OMIM 261630.

gnomAD v4.1: 1 of 1,610,380 alleles (0.000062%); highest among the groups gnomAD compares: African/African-American, 0.0013%; no homozygotes.

Submission:

Labcorp Genetics (formerly Invitae), Labcorp
Classification: Uncertain significance for Dihydropteridine reductase deficiency. Last evaluated: 2025-06-29. Review status: criteria provided, single submitter. Criteria: Invitae Variant Classification Sherloc (09022015). Collection method: clinical testing. Allele origin: germline.
Comment: This sequence change replaces arginine, which is basic and polar, with lysine, which is basic and polar, at codon 19 of the QDPR protein (p.Arg19Lys). This variant is present in population databases (no rsID available, gnomAD 0.01%). This variant has not been reported in the literature in individuals affected with QDPR-related conditions. An algorithm developed to predict the effect of missense changes on protein structure and function (PolyPhen-2) suggests that this variant is likely to be tolerated. In summary, the available evidence is currently insufficient to determine the role of this variant in disease. Therefore, it has been classified as a Variant of Uncertain Significance.

NM_000320.3(QDPR):c.56G>A (p.Arg19Lys)

Genes: QDPR (quinoid dihydropteridine reductase; minus strand), LOC129992304 (ATAC-STARR-seq lymphoblastoid silent region 15310; plus strand). Cytogenetic location: 4p15.32.
Variant type: single nucleotide variant.
Coding change: c.56G>A on transcript NM_000320.3 (MANE Select); coding-DNA position 56, G replaced by A.
Protein change: p.Arg19Lys; replaces arginine 19 with lysine.
Molecular consequence: missense variant. On other transcripts: non-coding transcript variant (1).
Genome position (GRCh38, 1-based): chr4:17,511,999, C>T on the plus strand (G>A on the coding strand, the complement: QDPR is on the minus strand). VCF-style: chr4-17511999-C-T. GRCh37 (hg19) VCF-style: chr4-17513622-C-T.
Other names: c.56G>A, p.Arg19Lys (NM_001306140.2); short protein forms R19K.
Identifiers: ClinVar variation 4722287 (VCV004722287.1).